The following is an entry in ClinVar:

ClinVar aggregate classification (germline): Uncertain significance. Review status: criteria provided, multiple submitters, no conflicts (2 of 4 stars). 2 submissions from 2 submitters: Uncertain significance (2). Last evaluated 2025-06-10.

Conditions:
Early-infantile DEE. Also called: Ohtahara syndrome; Early infantile epileptic encephalopathy; Early infantile epileptic encephalopathy with suppression bursts. Identifiers: Orphanet 1934, MedGen C0393706, MONDO:0800491.
Inborn genetic diseases. Identifiers: MedGen C0950123, MeSH D030342.

Allele frequency attached by ClinVar (database versions not stated): gnomAD exomes below 0.00001; gnomAD 0.00001.
gnomAD v4.1: 4 of 1,613,934 alleles (0.00025%); highest among the groups gnomAD compares: East Asian, 0.0045%; no homozygotes.

Submissions (2):

Labcorp Genetics (formerly Invitae), Labcorp
Classification: Uncertain significance for Early-infantile DEE. Last evaluated: 2025-06-10. Review status: criteria provided, single submitter. Criteria: Invitae Variant Classification Sherloc (09022015). Collection method: clinical testing. Allele origin: germline.
Comment: This sequence change replaces threonine, which is neutral and polar, with isoleucine, which is neutral and non-polar, at codon 119 of the SPTAN1 protein (p.Thr119Ile). This variant is not present in population databases (gnomAD no frequency). This variant has not been reported in the literature in individuals affected with SPTAN1-related conditions. ClinVar contains an entry for this variant (Variation ID: 1384977). Invitae Evidence Modeling of protein sequence and biophysical properties (such as structural, functional, and spatial information, amino acid conservation, physicochemical variation, residue mobility, and thermodynamic stability) has been performed for this missense variant. However, the output from this modeling did not meet the statistical confidence thresholds required to predict the impact of this variant on SPTAN1 protein function. In summary, the available evidence is currently insufficient to determine the role of this variant in disease. Therefore, it has been classified as a Variant of Uncertain Significance.

Ambry Genetics
Classification: Uncertain significance for Inborn genetic diseases. Last evaluated: 2022-12-13. Review status: criteria provided, single submitter. Criteria: Ambry Variant Classification Scheme 2023. Collection method: clinical testing. Allele origin: germline.

NM_001130438.3(SPTAN1):c.356C>T (p.Thr119Ile)

Gene: SPTAN1 (spectrin alpha, non-erythrocytic 1; plus strand). Cytogenetic location: 9q34.11.
Variant type: single nucleotide variant.
Coding change: c.356C>T on transcript NM_001130438.3 (MANE Select); coding-DNA position 356, C replaced by T.
Protein change: p.Thr119Ile; replaces threonine 119 with isoleucine.
Molecular consequence: missense variant.
Genome position (GRCh38, 1-based): chr9:128,568,890, C>T. VCF-style: chr9-128568890-C-T. GRCh37 (hg19) VCF-style: chr9-131331169-C-T.
Other names: c.356C>T, p.Thr119Ile (NM_001195532.2, NM_001363759.2, NM_001363765.2 and 5 more transcripts); c.392C>T, p.Thr131Ile (NM_001375312.2, NM_001375318.1); c.356C>T (NM_001130438.2); short protein forms T131I, T119I.
Identifiers: ClinVar variation 1384977 (VCV001384977.8), dbSNP rs1850338993, ClinGen allele CA375051315.
Genomic context (GRCh38, chr9:128,568,890, plus strand): 5'-TTGTTAAGCTGGATGAAACTGGAAACCTGATGATCTCAGAAGGGCATTTTGCATCTGAAA[C>T]CATACGGGTGAGTATGAGTAGCTCGTGGAGTGGATGGCTTCATCTGGGTGGAGCATTGTA-3'
Protein context (NP_001123910.1, residues 109-129): MISEGHFASE[Thr119Ile]IRTRLMELHR